The following is an entry in ClinVar:

ClinVar aggregate classification (germline): Uncertain significance (1 of 4 stars; one submission).

Submission:

Labcorp Genetics (formerly Invitae), Labcorp
Classification: Uncertain significance. Last evaluated: 2022-06-05. Review status: criteria provided, single submitter. Criteria: Invitae Variant Classification Sherloc (09022015). Collection method: clinical testing. Allele origin: germline.
Comment: In summary, the available evidence is currently insufficient to determine the role of this variant in disease. Therefore, it has been classified as a Variant of Uncertain Significance. Algorithms developed to predict the effect of missense changes on protein structure and function (SIFT, PolyPhen-2, Align-GVGD) all suggest that this variant is likely to be disruptive. This variant has not been reported in the literature in individuals affected with PDE6B-related conditions. This variant is not present in population databases (gnomAD no frequency). This sequence change replaces glycine, which is neutral and non-polar, with aspartic acid, which is acidic and polar, at codon 520 of the PDE6B protein (p.Gly520Asp).

NM_000283.4(PDE6B):c.1559G>A (p.Gly520Asp)

Gene: PDE6B (phosphodiesterase 6B; plus strand). Cytogenetic location: 4p16.3.
Variant type: single nucleotide variant.
Coding change: c.1559G>A on transcript NM_000283.4 (MANE Select); coding-DNA position 1559, G replaced by A.
Protein change: p.Gly520Asp; replaces glycine 520 with aspartic acid.
Molecular consequence: missense variant.
Genome position (GRCh38, 1-based): chr4:660,558, G>A. VCF-style: chr4-660558-G-A. GRCh37 (hg19) VCF-style: chr4-654347-G-A.
Other names: c.1559G>A, p.Gly520Asp (NM_001145291.2); c.722G>A, p.Gly241Asp (NM_001145292.2, NM_001350154.3, NM_001379246.1 and 1 more transcripts); c.404G>A, p.Gly135Asp (NM_001350155.3); short protein forms G135D, G520D, G241D.
Identifiers: ClinVar variation 2003856 (VCV002003856.4), dbSNP rs2474250046, ClinGen allele CA355916214.